The following is an entry in ClinVar:

ClinVar aggregate classification (germline): Conflicting classifications of pathogenicity. Review status: criteria provided, conflicting classifications (1 of 4 stars). 5 submissions from 4 submitters: Uncertain significance (3); Likely benign (2). Last evaluated 2025-11-25.

Conditions:
Muscular dystrophy-dystroglycanopathy type B6 (MDDGB6). Also called: MUSCULAR DYSTROPHY-DYSTROGLYCANOPATHY (CONGENITAL WITH IMPAIRED INTELLECTUAL DEVELOPMENT), TYPE B, 6; MUSCULAR DYSTROPHY, CONGENITAL, LARGE-RELATED; MUSCULAR DYSTROPHY, CONGENITAL, TYPE 1D. Identifiers: MedGen C1837229, MONDO:0012138, OMIM 608840.
Muscular dystrophy-dystroglycanopathy (congenital with brain and eye anomalies), type A6. Also called: WALKER-WARBURG SYNDROME OR MUSCLE-EYE-BRAIN DISEASE, LARGE-RELATED; MUSCULAR DYSTROPHY-DYSTROGLYCANOPATHY (CONGENITAL WITH BRAIN AND EYE ANOMALIES), TYPE A, 6. Identifiers: Orphanet 588, Orphanet 899, MedGen C3150414, MONDO:0013158, OMIM 613154.

Allele frequency attached by ClinVar (database versions not stated): gnomAD below 0.00001 and 0.00009; TOPMed 0.00002; gnomAD exomes 0.00014 and 0.00024; ExAC 0.00024; 1000 Genomes Project 0.00040; 1000 Genomes Project 30x 0.00047.
gnomAD v4.1: 217 of 1,613,808 alleles (0.013%); highest among the groups gnomAD compares: South Asian, 0.23%; 1 homozygote.

Submissions (5):

Labcorp Genetics (formerly Invitae), Labcorp
Classification: Likely benign for Muscular dystrophy-dystroglycanopathy type B6. Last evaluated: 2025-11-25. Review status: criteria provided, single submitter. Criteria: Invitae Variant Classification Sherloc (09022015). Collection method: clinical testing. Allele origin: germline.

CeGaT Center for Human Genetics Tuebingen
Classification: Likely benign. Last evaluated: 2022-07-01. Review status: criteria provided, single submitter. Criteria: CeGaT Center For Human Genetics Tuebingen Variant Classification Criteria Version 2. Collection method: clinical testing. Allele origin: germline. Affected: yes. Observed: 2 variant alleles.
Comment: LARGE1: BP4, BP7

Illumina Laboratory Services, Illumina
Classification: Uncertain significance for Muscular dystrophy-dystroglycanopathy type B6. Last evaluated: 2018-01-13. Review status: criteria provided, single submitter. Criteria: ICSL Variant Classification Criteria 13 December 2019. Collection method: clinical testing. Allele origin: germline.

Illumina Laboratory Services, Illumina
Classification: Uncertain significance for Muscular dystrophy-dystroglycanopathy (congenital with brain and eye anomalies), type A6. Last evaluated: 2018-01-13. Review status: criteria provided, single submitter. Criteria: ICSL Variant Classification Criteria 13 December 2019. Collection method: clinical testing. Allele origin: germline.

Eurofins Ntd Llc (ga)
Classification: Uncertain significance. Last evaluated: 2016-06-08. Review status: criteria provided, single submitter. Criteria: EGL Classification Definitions 2015. Collection method: clinical testing. Allele origin: germline. Observed: 1 variant allele, 1 heterozygote.

NM_133642.5(LARGE1):c.909T>G (p.Leu303=)

Gene: LARGE1 (LARGE xylosyl- and glucuronyltransferase 1; minus strand). Cytogenetic location: 22q12.3.
Variant type: single nucleotide variant.
Coding change: c.909T>G on transcript NM_133642.5 (MANE Select); coding-DNA position 909, T replaced by G.
Protein change: p.Leu303=; no amino-acid change (leucine 303 retained).
Molecular consequence: synonymous variant.
Genome position (GRCh38, 1-based): chr22:33,384,288, A>C on the plus strand (T>G on the coding strand, the complement: LARGE1 is on the minus strand). VCF-style: chr22-33384288-A-C. GRCh37 (hg19) VCF-style: chr22-33780274-A-C.
Other names: c.909T>G, p.Leu303= (NM_001362949.2, NM_001362951.2, NM_001362953.2 and 7 more transcripts); c.306T>G, p.Leu102= (NM_001378630.1, NM_001378631.1).
Identifiers: ClinVar variation 287758 (VCV000287758.43), dbSNP rs563144239, ClinGen allele CA10202909.